The following is an entry in ClinVar:

ClinVar aggregate classification (germline): Pathogenic/Likely pathogenic. Review status: criteria provided, multiple submitters, no conflicts (2 of 4 stars). 3 submissions from 3 submitters: Pathogenic (2); Likely pathogenic (1). Last evaluated 2024-05-05.

Conditions:
Hereditary cancer-predisposing syndrome. Also called: Neoplastic Syndromes, Hereditary; Tumor predisposition; Hereditary Cancer Syndrome; Hereditary neoplastic syndrome. Identifiers: Orphanet 140162, MedGen C0027672, MeSH D009386, MONDO:0015356.
Cardiovascular phenotype. Identifiers: MedGen CN230736.

Allele frequency attached by ClinVar (database versions not stated): gnomAD exomes below 0.00001; gnomAD 0.00001; TOPMed 0.00001.
gnomAD v4.1: 7 of 1,604,198 alleles (0.00044%); highest among the groups gnomAD compares: Admixed American, 0.0034%; no homozygotes.

Submissions (3):

Labcorp Genetics (formerly Invitae), Labcorp
Classification: Pathogenic. Last evaluated: 2024-05-05. Review status: criteria provided, single submitter. Criteria: Invitae Variant Classification Sherloc (09022015). Collection method: clinical testing. Allele origin: germline.
Comment: This sequence change creates a premature translational stop signal (p.Glu415*) in the LZTR1 gene. It is expected to result in an absent or disrupted protein product. Loss-of-function variants in LZTR1 are known to be pathogenic (PMID: 24362817, 25335493, 25480913, 25795793, 29469822, 30368668, 30442762, 30442766, 30481304, 30859559). This variant is not present in population databases (gnomAD no frequency). This variant has not been reported in the literature in individuals affected with LZTR1-related conditions. ClinVar contains an entry for this variant (Variation ID: 1758965). Algorithms developed to predict the effect of sequence changes on RNA splicing suggest that this variant may disrupt the consensus splice site. For these reasons, this variant has been classified as Pathogenic.

GeneDx
Classification: Likely pathogenic. Last evaluated: 2022-09-08. Review status: criteria provided, single submitter. Criteria: GeneDx Variant Classification Process June 2021. Collection method: clinical testing. Allele origin: germline. Affected: yes.
Comment: Nonsense variant predicted to result in protein truncation or nonsense mediated decay in a gene for which loss of function is a known mechanism of disease; Not observed at significant frequency in large population cohorts (gnomAD); Has not been previously published as pathogenic or benign to our knowledge

Ambry Genetics
Classification: Pathogenic for Cardiovascular phenotype; Hereditary cancer-predisposing syndrome. Last evaluated: 2021-11-04. Review status: criteria provided, single submitter. Criteria: Ambry Variant Classification Scheme 2023. Collection method: clinical testing. Allele origin: germline.
Comment: The p.E415* pathogenic mutation (also known as c.1243G>T), located in coding exon 11 of the LZTR1 gene, results from a G to T substitution at nucleotide position 1243. This changes the amino acid from a glutamic acid to a stop codon within coding exon 11. This alteration is expected to result in loss of function by premature protein truncation or nonsense-mediated mRNA decay. Loss-of-function variants in LZTR1 are related to an increased risk for schwannomas and autosomal recessive Noonan syndrome; however, such associations with autosomal dominant Noonan syndrome have not been observed (Piotrowski A et al. Nat Genet. 2014 Feb;46:182-7; Yamamoto GL et al. J Med Genet. 2015 Jun;52:413-21; Johnston JJ et al. Genet Med. 2018 10;20:1175-1185). Based on the supporting evidence, this variant is pathogenic for an increased risk of LZTR1-related schwannomatosis (SWN) and would be expected to cause autosomal recessive Noonan syndrome when present along with a second pathogenic or likely pathogenic variant on the other allele; however, the association of this alteration with autosomal dominant Noonan syndrome is unlikely.

Literature cited by the submitters: PubMed 24362817 (cited by Labcorp Genetics (formerly Invitae), Labcorp); PubMed 25335493 (cited by Labcorp Genetics (formerly Invitae), Labcorp); PubMed 25480913 (cited by Labcorp Genetics (formerly Invitae), Labcorp); PubMed 25795793 (cited by Labcorp Genetics (formerly Invitae), Labcorp); PubMed 29469822 (cited by Labcorp Genetics (formerly Invitae), Labcorp); PubMed 30368668 (cited by Labcorp Genetics (formerly Invitae), Labcorp); PubMed 30442762 (cited by Labcorp Genetics (formerly Invitae), Labcorp); PubMed 30442766 (cited by Labcorp Genetics (formerly Invitae), Labcorp); PubMed 30481304 (cited by Labcorp Genetics (formerly Invitae), Labcorp); PubMed 30859559 (cited by Labcorp Genetics (formerly Invitae), Labcorp).

NM_006767.4(LZTR1):c.1243G>T (p.Glu415Ter)

Gene: LZTR1 (leucine zipper like post translational regulator 1; plus strand). Cytogenetic location: 22q11.21.
Variant type: single nucleotide variant.
Coding change: c.1243G>T on transcript NM_006767.4 (MANE Select); coding-DNA position 1243, G replaced by T.
Protein change: p.Glu415Ter; replaces glutamic acid 415 with a stop codon.
Molecular consequence: nonsense.
Genome position (GRCh38, 1-based): chr22:20,992,887, G>T. VCF-style: chr22-20992887-G-T. GRCh37 (hg19) VCF-style: chr22-21347176-G-T.
Other names: short protein forms E415*.
Identifiers: ClinVar variation 1758965 (VCV001758965.6), dbSNP rs1436064204, ClinGen allele CA410774082.
Genomic context (GRCh38, chr22:20,992,887, plus strand): 5'-GTCATCTCGGACGCCATGTACATCTTCGGGGGCACGGTGGACAACAACATCCGCAGCGGG[G>T]AGATGTACAGGTTCCAGGTGTGGGGCCTGTGGGCCTGTAGAGCCGGCTGGGTGGACGGAT-3'